The following is an entry in ClinVar:

ClinVar aggregate classification (germline): Pathogenic. Review status: criteria provided, multiple submitters, no conflicts (2 of 4 stars). 3 submissions from 3 submitters: Pathogenic (3). Last evaluated 2026-02-20.

Conditions:
Fanconi anemia complementation group A (FANCA). Also called: Fanconi anemia, group A; FANCA-Related Fanconi Anemia. Identifiers: Orphanet 84, MedGen C3469521, MONDO:0009215, OMIM 227650.

Submissions (3):

Myriad Genetics, Inc.
Classification: Pathogenic for Fanconi anemia complementation group A. Last evaluated: 2026-02-20. Review status: criteria provided, single submitter. Criteria: Myriad Autosomal Dominant, Autosomal Recessive and X-Linked Classification Criteria (2023). Collection method: clinical testing. Allele origin: unknown.
Comment: NM_000135.2(FANCA):c.3919C>T(Q1307*) is a nonsense variant classified as pathogenic in the context of Fanconi anemia complementation group A. Q1307* has been observed in a case with relevant disease (PMID: 22178060). Relevant functional assessments of this variant are not available in the literature. Q1307* has not been observed in referenced population frequency databases. In summary, NM_000135.2(FANCA):c.3919C>T(Q1307*) is a nonsense variant that has been observed more frequently in cases with the relevant disease than in healthy populations. Please note: this variant was assessed in the context of healthy population screening.

Fulgent Genetics
Classification: Pathogenic for Fanconi anemia complementation group A. Last evaluated: 2024-05-31. Review status: criteria provided, single submitter. Criteria: ACMG Guidelines, 2015. Collection method: clinical testing. Allele origin: germline.

Baylor Genetics
Classification: Pathogenic for Fanconi anemia complementation group A. Last evaluated: 2023-12-29. Review status: criteria provided, single submitter. Criteria: ACMG Guidelines, 2015. Collection method: clinical testing. Allele origin: unknown.

Literature cited by the submitters: PubMed 22178060 (cited by Myriad Genetics, Inc.).

NM_000135.4(FANCA):c.3919C>T (p.Gln1307Ter)

Genes: FANCA (FA complementation group A; minus strand), ZNF276 (zinc finger protein 276; plus strand). Cytogenetic location: 16q24.3.
Variant type: single nucleotide variant.
Coding change: c.3919C>T on transcript NM_000135.4 (MANE Select); coding-DNA position 3919, C replaced by T.
Protein change: p.Gln1307Ter; replaces glutamine 1307 with a stop codon.
Molecular consequence: nonsense. On other transcripts: 3 prime UTR variant (2), non-coding transcript variant (4).
Genome position (GRCh38, 1-based): chr16:89,740,009, G>A on the plus strand (C>T on the coding strand, the complement: FANCA is on the minus strand). VCF-style: chr16-89740009-G-A. GRCh37 (hg19) VCF-style: chr16-89806417-G-A.
Other names: c.3919C>T, p.Gln1307Ter (NM_001286167.3); c.*1763G>A (NM_001113525.2, NM_152287.4); short protein forms Q1307*.
Identifiers: ClinVar variation 3241545 (VCV003241545.3), dbSNP rs763626782.